The following is an entry in ClinVar:

ClinVar aggregate classification (germline): Pathogenic/Likely pathogenic. Review status: criteria provided, multiple submitters, no conflicts (2 of 4 stars). 2 submissions from 2 submitters: Pathogenic (1); Likely pathogenic (1). Last evaluated 2024-10-16.

Conditions:
Walker-Warburg congenital muscular dystrophy. Also called: Muscular dystrophy-dystroglycanopathy, type A; Walker-Warburg syndrome. Identifiers: Orphanet 899, MedGen C0265221, MONDO:0000171.
Dilated cardiomyopathy 1X (CMD1X). Also called: CARDIOMYOPATHY, DILATED, WITH MILD OR NO PROXIMAL MUSCLE WEAKNESS; FKTN-Related Dilated Cardiomyopathy. Identifiers: Orphanet 154, MedGen C1969024, MONDO:0012704, OMIM 611615.

Allele frequency attached by ClinVar (database versions not stated): gnomAD exomes below 0.00001.

Submissions (2):

Labcorp Genetics (formerly Invitae), Labcorp
Classification: Pathogenic for Walker-Warburg congenital muscular dystrophy. Last evaluated: 2024-10-16. Review status: criteria provided, single submitter. Criteria: Invitae Variant Classification Sherloc (09022015). Collection method: clinical testing. Allele origin: germline.
Comment: This sequence change creates a premature translational stop signal (p.Ser180Argfs*10) in the FKTN gene. It is expected to result in an absent or disrupted protein product. Loss-of-function variants in FKTN are known to be pathogenic (PMID: 17044012, 17878207, 18752264). This variant is not present in population databases (gnomAD no frequency). This variant has not been reported in the literature in individuals affected with FKTN-related conditions. For these reasons, this variant has been classified as Pathogenic.

Baylor Genetics
Classification: Likely pathogenic for Dilated cardiomyopathy 1X. Last evaluated: 2023-06-26. Review status: criteria provided, single submitter. Criteria: ACMG Guidelines, 2015. Collection method: clinical testing. Allele origin: unknown.

Literature cited by the submitters: PubMed 17044012 (cited by Labcorp Genetics (formerly Invitae), Labcorp); PubMed 17878207 (cited by Labcorp Genetics (formerly Invitae), Labcorp); PubMed 18752264 (cited by Labcorp Genetics (formerly Invitae), Labcorp).

NM_001079802.2(FKTN):c.540del (p.Ser180fs)

Gene: FKTN (fukutin; plus strand). Cytogenetic location: 9q31.2.
Variant type: Deletion.
Coding change: c.540del on transcript NM_001079802.2 (MANE Select); coding-DNA position 540, one base deleted (T; older notation c.540delT).
Protein change: p.Ser180fs; shifts the reading frame from serine 180.
Molecular consequence: frameshift variant. On other transcripts: non-coding transcript variant (2).
Genome position (GRCh38, 1-based): chr9:105,604,385, T deleted. VCF-style (leftmost placement, unchanged base first): chr9-105604384-GT-G. GRCh37 (hg19) VCF-style: chr9-108366665-GT-G.
Other names: c.540del, p.Ser180fs (NM_001198963.2, NM_001351496.2, NM_001351498.2 and 1 more transcripts); c.471del, p.Ser157fs (NM_001351497.2); c.144del, p.Ser48fs (NM_001351499.2, NM_001351500.2, NM_001351501.2 and 1 more transcripts); short protein forms S157fs, S48fs, S180fs.
Identifiers: ClinVar variation 2675719 (VCV002675719.3), dbSNP rs1828477244, ClinGen allele CA1870238970.